The following is an entry in ClinVar:

NM_001242896.3(DEPDC5):c.2275_2281del (p.Tyr759fs)

Gene: DEPDC5 (DEP domain containing 5, GATOR1 subcomplex subunit; plus strand). Cytogenetic location: 22q12.3.
Variant type: Deletion.
Coding change: c.2275_2281del on transcript NM_001242896.3 (MANE Select); coding-DNA positions 2275 to 2281, 7 bases deleted (TACTTCC; older notation c.2275_2281delTACTTCC).
Protein change: p.Tyr759fs; shifts the reading frame from tyrosine 759.
Molecular consequence: frameshift variant. On other transcripts: non-coding transcript variant (4).
Genome position (GRCh38, 1-based): chr22:31,837,076-31,837,082, TACTTCC deleted; deleting any 7 consecutive bases within chr22:31,837,075-31,837,082 gives the same sequence; the c. name uses the placement nearest the transcript's 3' end. VCF-style (leftmost placement, unchanged base first): chr22-31837074-ACTACTTC-A. GRCh37 (hg19) VCF-style: chr22-32233060-ACTACTTC-A.
Other names: c.2248_2254del, p.Tyr750fs (NM_001136029.4, NM_001369903.1, NM_014662.6); c.2041_2047del, p.Tyr681fs (NM_001242897.2, NM_001363854.2, NM_001364319.2); c.2275_2281del, p.Tyr759fs (NM_001363852.2, NM_001364318.2, NM_001364320.2); c.2191_2197del, p.Tyr731fs (NM_001369901.1, NM_001369902.1); short protein forms Y681fs, Y731fs, Y750fs, Y759fs.
Identifiers: ClinVar variation 1069222 (VCV001069222.7), dbSNP rs2148953095, ClinGen allele CA2499226159.
Genomic context (GRCh38, chr22:31,837,074, plus strand): 5'-GCACAGTTGGAGTGGACTGGAAGTCTCTCACTACTCCGGCGTGCCTCCCCCTTACCACCG[ACTACTTC>A]CCTGACCGCCAGGGCCTGCAGAATGACTACACAGAGGGCTGTTATGATCTCCTTCCAGAA-3'

ClinVar aggregate classification (germline): Pathogenic (1 of 4 stars; one submission).

Conditions:
Familial focal epilepsy with variable foci (FPEVF). Identifiers: Orphanet 98820, MedGen C1858477, MONDO:0020310.

Submission:

Labcorp Genetics (formerly Invitae), Labcorp
Classification: Pathogenic for Familial focal epilepsy with variable foci. Last evaluated: 2020-01-08. Review status: criteria provided, single submitter. Criteria: Invitae Variant Classification Sherloc (09022015). Collection method: clinical testing. Allele origin: germline.
Comment: For these reasons, this variant has been classified as Pathogenic. This sequence change creates a premature translational stop signal (p.Tyr759Leufs*33) in the DEPDC5 gene. It is expected to result in an absent or disrupted protein product. This variant is not present in population databases (ExAC no frequency). This variant has not been reported in the literature in individuals with DEPDC5-related conditions. Loss-of-function variants in DEPDC5 are known to be pathogenic (PMID: 23542697, 23542701).

Literature cited by the submitters: PubMed 23542697; PubMed 23542701.